The following is an entry in ClinVar:

NM_002206.3(ITGA7):c.3223G>A (p.Val1075Met)

Gene: ITGA7 (integrin subunit alpha 7; minus strand). Cytogenetic location: 12q13.2.
Variant type: single nucleotide variant.
Coding change: c.3223G>A on transcript NM_002206.3 (MANE Select); coding-DNA position 3223, G replaced by A.
Protein change: p.Val1075Met; replaces valine 1075 with methionine.
Molecular consequence: missense variant.
Genome position (GRCh38, 1-based): chr12:55,685,249, C>T on the plus strand (G>A on the coding strand, the complement: ITGA7 is on the minus strand). VCF-style: chr12-55685249-C-T. GRCh37 (hg19) VCF-style: chr12-56079033-C-T.
Other names: c.3223G>A (NM_002206.2); c.3235G>A, p.Val1079Met (NM_001144996.2); c.2944G>A, p.Val982Met (NM_001144997.2); c.2896G>A, p.Val966Met (NM_001367993.1); c.1879G>A, p.Val627Met (NM_001367994.1); c.3205G>A, p.Val1069Met (NM_001374465.1); c.3355G>A, p.Val1119Met (NM_001410977.1); c.3217G>A, p.Val1073Met (NM_001414029.1); and 6 more; short protein forms V1069M, V1075M, V1079M, V627M, V966M, V982M, V1119M, V1000M.
Identifiers: ClinVar variation 1052190 (VCV001052190.9), dbSNP rs375842647, ClinGen allele CA6615265.

ClinVar aggregate classification (germline): Uncertain significance. Review status: criteria provided, multiple submitters, no conflicts (2 of 4 stars). 2 submissions from 2 submitters: Uncertain significance (2). Last evaluated 2025-01-25.

Conditions:
ITGA7-related disorder. Also called: ITGA7-related condition.
Congenital muscular dystrophy due to integrin alpha-7 deficiency. Also called: Congenital muscular dystrophy with integrin alpha-7 deficiency; Muscular dystrophy, congenital, due to ITGA7 deficiency; MYOPATHY, CONGENITAL, DUE TO INTEGRIN ALPHA-7 DEFICIENCY. Identifiers: Orphanet 34520, MedGen C2750786, MONDO:0013177, OMIM 613204.

Allele frequency attached by ClinVar (database versions not stated): gnomAD 0.00001; gnomAD exomes 0.00001 and 0.00002; ExAC 0.00002; TOPMed 0.00005; ESP Exome Variant Server 0.00008.
gnomAD v4.1: 9 of 1,614,112 alleles (0.00056%); highest among the groups gnomAD compares: South Asian, 0.0055%; no homozygotes.

Submissions (2):

PreventionGenetics, part of Exact Sciences
Classification: Uncertain significance for ITGA7-related condition. Last evaluated: 2025-01-25. Review status: criteria provided, single submitter. Criteria: ACMG Guidelines, 2015. Collection method: clinical testing. Allele origin: germline.
Comment: The ITGA7 c.3223G>A variant is predicted to result in the amino acid substitution p.Val1075Met. To our knowledge, this variant has not been reported in the literature. This variant is reported in 0.018% of alleles in individuals of African descent in gnomAD. At this time, the clinical significance of this variant is uncertain due to the absence of conclusive functional and genetic evidence.

Labcorp Genetics (formerly Invitae), Labcorp
Classification: Uncertain significance for Congenital muscular dystrophy due to integrin alpha-7 deficiency. Last evaluated: 2023-08-17. Review status: criteria provided, single submitter. Criteria: Invitae Variant Classification Sherloc (09022015). Collection method: clinical testing. Allele origin: germline.
Comment: In summary, the available evidence is currently insufficient to determine the role of this variant in disease. Therefore, it has been classified as a Variant of Uncertain Significance. Advanced modeling of protein sequence and biophysical properties (such as structural, functional, and spatial information, amino acid conservation, physicochemical variation, residue mobility, and thermodynamic stability) performed at Invitae indicates that this missense variant is expected to disrupt ITGA7 protein function. ClinVar contains an entry for this variant (Variation ID: 1052190). This variant has not been reported in the literature in individuals affected with ITGA7-related conditions. This variant is present in population databases (rs375842647, gnomAD 0.02%). This sequence change replaces valine, which is neutral and non-polar, with methionine, which is neutral and non-polar, at codon 1075 of the ITGA7 protein (p.Val1075Met).